The following is an entry in ClinVar:

ClinVar aggregate classification (germline): Uncertain significance. Review status: criteria provided, multiple submitters, no conflicts (2 of 4 stars). 2 submissions from 2 submitters: Uncertain significance (2). Last evaluated 2022-11-15.

Conditions:
Ataxia-telangiectasia-like disorder (ATLD). Identifiers: MedGen C1858391, MONDO:0011457.
Hereditary cancer-predisposing syndrome. Also called: Neoplastic Syndromes, Hereditary; Tumor predisposition; Hereditary Cancer Syndrome; Hereditary neoplastic syndrome. Identifiers: Orphanet 140162, MedGen C0027672, MeSH D009386, MONDO:0015356.

Allele frequency attached by ClinVar (database versions not stated): ExAC 0.00002; gnomAD exomes 0.00002.
gnomAD v4.1: 17 of 1,611,706 alleles (0.0011%); highest among the groups gnomAD compares: Admixed American, 0.0067%; no homozygotes.

Submissions (2):

Ambry Genetics
Classification: Uncertain significance for Hereditary cancer-predisposing syndrome. Last evaluated: 2022-11-15. Review status: criteria provided, single submitter. Criteria: Ambry Variant Classification Scheme 2023. Collection method: clinical testing. Allele origin: germline.
Comment: The p.R364Q variant (also known as c.1091G>A), located in coding exon 9 of the MRE11A gene, results from a G to A substitution at nucleotide position 1091. The arginine at codon 364 is replaced by glutamine, an amino acid with highly similar properties. This amino acid position is highly conserved in available vertebrate species. In addition, this alteration is predicted to be deleterious by in silico analysis. Since supporting evidence is limited at this time, the clinical significance of this alteration remains unclear.

Labcorp Genetics (formerly Invitae), Labcorp
Classification: Uncertain significance for Ataxia-telangiectasia-like disorder. Last evaluated: 2022-05-29. Review status: criteria provided, single submitter. Criteria: Invitae Variant Classification Sherloc (09022015). Collection method: clinical testing. Allele origin: germline.
Comment: This sequence change replaces arginine, which is basic and polar, with glutamine, which is neutral and polar, at codon 364 of the MRE11 protein (p.Arg364Gln). This variant is present in population databases (rs140528613, gnomAD 0.003%). This variant has not been reported in the literature in individuals affected with MRE11-related conditions. ClinVar contains an entry for this variant (Variation ID: 187219). Algorithms developed to predict the effect of missense changes on protein structure and function (SIFT, PolyPhen-2, Align-GVGD) all suggest that this variant is likely to be disruptive. In summary, the available evidence is currently insufficient to determine the role of this variant in disease. Therefore, it has been classified as a Variant of Uncertain Significance.

NM_005591.4(MRE11):c.1091G>A (p.Arg364Gln)

Gene: MRE11 (MRE11 double strand break repair nuclease; minus strand). Cytogenetic location: 11q21.
Variant type: single nucleotide variant.
Coding change: c.1091G>A on transcript NM_005591.4 (MANE Select); coding-DNA position 1091, G replaced by A.
Protein change: p.Arg364Gln; replaces arginine 364 with glutamine.
Molecular consequence: missense variant.
Genome position (GRCh38, 1-based): chr11:94,467,820, C>T on the plus strand (G>A on the coding strand, the complement: MRE11 is on the minus strand). VCF-style: chr11-94467820-C-T. GRCh37 (hg19) VCF-style: chr11-94200986-C-T.
Other names: c.1091G>A, p.Arg364Gln (NM_001330347.2, NM_005590.4); short protein forms R364Q.
Identifiers: ClinVar variation 187219 (VCV000187219.10), dbSNP rs140528613, ClinGen allele CA197043.